The following is an entry in ClinVar:

ClinVar aggregate classification (germline): Uncertain significance (1 of 4 stars; one submission).

gnomAD v4.1: 23 of 1,614,214 alleles (0.0014%); highest among the groups gnomAD compares: Non-Finnish European, 0.0019%; no homozygotes.

Submission:

GeneDx
Classification: Uncertain significance. Last evaluated: 2023-07-11. Review status: criteria provided, single submitter. Criteria: GeneDx Variant Classification Process June 2021. Collection method: clinical testing. Allele origin: germline. Affected: yes.
Comment: Not observed at significant frequency in large population cohorts (gnomAD); In silico analysis supports that this missense variant has a deleterious effect on protein structure/function; Has not been previously published as pathogenic or benign to our knowledge

NM_015909.4(NBAS):c.4946A>T (p.Gln1649Leu)

Gene: NBAS (NBAS subunit of NRZ tethering complex; minus strand). Cytogenetic location: 2p24.3.
Variant type: single nucleotide variant.
Coding change: c.4946A>T on transcript NM_015909.4 (MANE Select); coding-DNA position 4946, A replaced by T.
Protein change: p.Gln1649Leu; replaces glutamine 1649 with leucine.
Molecular consequence: missense variant. On other transcripts: non-coding transcript variant (1).
Genome position (GRCh38, 1-based): chr2:15,292,618, T>A on the plus strand (A>T on the coding strand, the complement: NBAS is on the minus strand). VCF-style: chr2-15292618-T-A. GRCh37 (hg19) VCF-style: chr2-15432742-T-A.
Other names: short protein forms Q1649L.
Identifiers: ClinVar variation 3360423 (VCV003360423.1).